The following is an entry in ClinVar:

NM_032043.3(BRIP1):c.1914T>C (p.Asn638=)

Gene: BRIP1 (BRCA1 interacting DNA helicase 1; minus strand). Cytogenetic location: 17q23.2.
Variant type: single nucleotide variant.
Coding change: c.1914T>C on transcript NM_032043.3 (MANE Select); coding-DNA position 1914, T replaced by C.
Protein change: p.Asn638=; no amino-acid change (asparagine 638 retained).
Molecular consequence: synonymous variant.
Genome position (GRCh38, 1-based): chr17:61,780,282, A>G on the plus strand (T>C on the coding strand, the complement: BRIP1 is on the minus strand). VCF-style: chr17-61780282-A-G. GRCh37 (hg19) VCF-style: chr17-59857643-A-G.
Other names: c.1914T>C (NM_032043.2).
Identifiers: ClinVar variation 1647576 (VCV001647576.11), dbSNP rs764456240, ClinGen allele CA8690635.

ClinVar aggregate classification (germline): Benign/Likely benign. Review status: criteria provided, multiple submitters, no conflicts (2 of 4 stars). 3 submissions from 3 submitters: Benign (1); Likely benign (2). Last evaluated 2024-08-30.

Conditions:
Familial cancer of breast. Also called: hereditary breast carcinoma; BREAST CANCER, FAMILIAL; Hereditary breast cancer. Identifiers: Orphanet 227535, MedGen C0346153, MONDO:0016419, OMIM 114480. Disease mechanism: loss of function.
Fanconi anemia complementation group J. Also called: BRIP1-Related Fanconi Anemia. Identifiers: Orphanet 84, MedGen C1836860, MONDO:0012187, OMIM 609054.
Hereditary cancer-predisposing syndrome. Also called: Hereditary Cancer Syndrome; Neoplastic Syndromes, Hereditary; Hereditary neoplastic syndrome; Tumor predisposition. Identifiers: Orphanet 140162, MedGen C0027672, MeSH D009386, MONDO:0015356.

Allele frequency attached by ClinVar (database versions not stated): ExAC 0.00001.

Submissions (3):

Myriad Genetics, Inc.
Classification: Benign for Familial cancer of breast. Last evaluated: 2024-08-30. Review status: criteria provided, single submitter. Criteria: Myriad Autosomal Dominant, Autosomal Recessive and X-Linked Classification Criteria (2023). Collection method: clinical testing. Allele origin: unknown.
Comment: This variant is considered benign. This variant is a silent/synonymous amino acid change and it is not expected to impact splicing.

Ambry Genetics
Classification: Likely benign for Hereditary cancer-predisposing syndrome. Last evaluated: 2022-12-01. Review status: criteria provided, single submitter. Criteria: Ambry Variant Classification Scheme 2023. Collection method: clinical testing. Allele origin: germline.

Labcorp Genetics (formerly Invitae), Labcorp
Classification: Likely benign for Familial cancer of breast; Fanconi anemia complementation group J. Last evaluated: 2020-11-03. Review status: criteria provided, single submitter. Criteria: Invitae Variant Classification Sherloc (09022015). Collection method: clinical testing. Allele origin: germline.